The following is an entry in ClinVar:

NM_015089.4(CUL9):c.6450T>C (p.Tyr2150=)

Gene: CUL9 (cullin 9; plus strand). Cytogenetic location: 6p21.1.
Variant type: single nucleotide variant.
Coding change: c.6450T>C on transcript NM_015089.4 (MANE Select); coding-DNA position 6450, T replaced by C.
Protein change: p.Tyr2150=; no amino-acid change (tyrosine 2150 retained).
Molecular consequence: synonymous variant.
Genome position (GRCh38, 1-based): chr6:43,220,773, T>C. VCF-style: chr6-43220773-T-C. GRCh37 (hg19) VCF-style: chr6-43188511-T-C.
Identifiers: ClinVar variation 3043738 (VCV003043738.2), dbSNP rs41274934, ClinGen allele CA3818679.

ClinVar aggregate classification (germline): Likely benign (0 of 4 stars; one submission).

Conditions:
CUL9-related disorder. Also called: CUL9-related condition.

Allele frequency attached by ClinVar (database versions not stated): 1000 Genomes Project 0.00060; 1000 Genomes Project 30x 0.00062; ESP Exome Variant Server 0.00169; ExAC 0.00189; gnomAD 0.00196; TOPMed 0.00199; gnomAD exomes 0.00299.
gnomAD v4.1: 4,612 of 1,613,184 alleles (0.29%); highest among the groups gnomAD compares: Non-Finnish European, 0.36%; 9 homozygotes.

Submission:

PreventionGenetics, part of Exact Sciences
Classification: Likely benign for CUL9-related condition. Last evaluated: 2019-03-26. Review status: no assertion criteria provided. Collection method: clinical testing. Allele origin: germline.
Comment: This variant is classified as likely benign based on ACMG/AMP sequence variant interpretation guidelines (Richards et al. 2015 PMID: 25741868, with internal and published modifications).